The following is an entry in ClinVar:

ClinVar aggregate classification (germline): Benign/Likely benign. Review status: criteria provided, multiple submitters, no conflicts (2 of 4 stars). 5 submissions from 5 submitters: Benign (1); Likely benign (4). Last evaluated 2025-11-05.

Conditions:
Cardiac arrhythmia. Also called: Cardiac rhythm disease; Arrhythmia. Identifiers: MedGen C0003811, MONDO:0007263, HP:0011675.
Long QT syndrome (LQTS). Identifiers: MedGen C0023976, MeSH D008133, MONDO:0002442. Disease mechanism: loss of function. Inheritance: Various modes of inheritance.

Submissions (5):

Labcorp Genetics (formerly Invitae), Labcorp
Classification: Benign for Long QT syndrome. Last evaluated: 2025-11-05. Review status: criteria provided, single submitter. Criteria: Invitae Variant Classification Sherloc (09022015). Collection method: clinical testing. Allele origin: germline.

All of Us Research Program, National Institutes of Health
Classification: Likely benign for Long QT syndrome. Last evaluated: 2024-09-23. Review status: criteria provided, single submitter. Criteria: ACMG Guidelines, 2015. Collection method: clinical testing. Allele origin: germline. Inheritance: Autosomal dominant inheritance. Observed: 4 variant alleles, 4 heterozygotes.
Comment: This study involves interpretation of variants in research participants for the purpose of population health screening. Participant phenotype was not available at the time of variant classification. Additional details can be found in publication PMID: 35346344, PMCID: PMC8962531

Blueprint Genetics
Classification: Likely benign. Last evaluated: 2020-03-06. Review status: criteria provided, single submitter. Criteria: ACMG Guidelines, 2015. Collection method: clinical testing. Allele origin: germline.

Color Diagnostics, LLC DBA Color Health
Classification: Likely benign for Arrhythmia. Last evaluated: 2018-09-29. Review status: criteria provided, single submitter. Criteria: ACMG Guidelines, 2015. Collection method: clinical testing. Allele origin: germline.

Eurofins Ntd Llc (ga)
Classification: Likely benign. Last evaluated: 2017-08-23. Review status: criteria provided, single submitter. Criteria: EGL Classification Definitions 2015. Collection method: clinical testing. Allele origin: germline. Observed: 1 variant allele, 1 heterozygote.

NM_000218.3(KCNQ1):c.1252-3del

Gene: KCNQ1 (potassium voltage-gated channel subfamily Q member 1; plus strand). Cytogenetic location: 11p15.5.
Variant type: Deletion.
Coding change: c.1252-3del on transcript NM_000218.3 (MANE Select); 3 bases into the intron before coding-DNA position 1252, one base deleted (T; older notation c.1252-3delT).
Molecular consequence: intron variant.
Genome position (GRCh38, 1-based): chr11:2,588,710, T deleted; the last of 8 consecutive T bases (chr11:2,588,703-2,588,710); deleting any one gives the same sequence. VCF-style (leftmost placement, unchanged base first): chr11-2588702-GT-G. GRCh37 (hg19) VCF-style: chr11-2609932-GT-G.
Other names: c.982-3del (NM_001406837.1); c.1156-3del (NM_001406836.1); c.712-3del (NM_001406838.1); c.871-3del (NM_181798.2).
Identifiers: ClinVar variation 593467 (VCV000593467.21), dbSNP rs12720450, ClinGen allele CA5822083.